The following is an entry in ClinVar:

ClinVar aggregate classification (germline): Uncertain significance (1 of 4 stars; one submission).

gnomAD v4.1: 14 of 1,613,196 alleles (0.00087%); highest among the groups gnomAD compares: South Asian, 0.0066%; no homozygotes.

Submission:

GeneDx
Classification: Uncertain significance. Last evaluated: 2026-04-06. Review status: criteria provided, single submitter. Criteria: GeneDx Variant Classification Process June 2021. Collection method: clinical testing. Allele origin: germline.
Comment: Not observed at significant frequency in large population cohorts (gnomAD); In silico analysis supports that this missense variant has a deleterious effect on protein structure/function; Has not been previously published as pathogenic or benign to our knowledge

NM_004947.5(DOCK3):c.5032C>T (p.Arg1678Cys)

Gene: DOCK3 (dedicator of cytokinesis 3; plus strand). Cytogenetic location: 3p21.2.
Variant type: single nucleotide variant.
Coding change: c.5032C>T on transcript NM_004947.5 (MANE Select); coding-DNA position 5032, C replaced by T.
Protein change: p.Arg1678Cys; replaces arginine 1678 with cysteine.
Molecular consequence: missense variant.
Genome position (GRCh38, 1-based): chr3:51,361,884, C>T. VCF-style: chr3-51361884-C-T. GRCh37 (hg19) VCF-style: chr3-51399315-C-T.
Other names: short protein forms R1678C.
Identifiers: ClinVar variation 5018259 (VCV005018259.1).